The following is an entry in ClinVar:

ClinVar aggregate classification (germline): Uncertain significance (1 of 4 stars; one submission).

Submission:

Labcorp Genetics (formerly Invitae), Labcorp
Classification: Uncertain significance. Last evaluated: 2025-07-27. Review status: criteria provided, single submitter. Criteria: Invitae Variant Classification Sherloc (09022015). Collection method: clinical testing. Allele origin: germline.
Comment: This sequence change replaces glycine, which is neutral and non-polar, with serine, which is neutral and polar, at codon 465 of the ALPL protein (p.Gly465Ser). This variant is not present in population databases (gnomAD no frequency). This variant has not been reported in the literature in individuals affected with ALPL-related conditions. Invitae Evidence Modeling of protein sequence and biophysical properties (such as structural, functional, and spatial information, amino acid conservation, physicochemical variation, residue mobility, and thermodynamic stability) indicates that this missense variant is expected to disrupt ALPL protein function with a positive predictive value of 95%. In summary, the available evidence is currently insufficient to determine the role of this variant in disease. Therefore, it has been classified as a Variant of Uncertain Significance.

NM_000478.6(ALPL):c.1393G>A (p.Gly465Ser)

Gene: ALPL (alkaline phosphatase, biomineralization associated; plus strand). Cytogenetic location: 1p36.12.
Variant type: single nucleotide variant.
Coding change: c.1393G>A on transcript NM_000478.6 (MANE Select); coding-DNA position 1393, G replaced by A.
Protein change: p.Gly465Ser; replaces glycine 465 with serine.
Molecular consequence: missense variant.
Genome position (GRCh38, 1-based): chr1:21,577,466, G>A. VCF-style: chr1-21577466-G-A. GRCh37 (hg19) VCF-style: chr1-21903959-G-A.
Other names: c.1228G>A, p.Gly410Ser (NM_001127501.4); c.1162G>A, p.Gly388Ser (NM_001177520.3); c.1393G>A, p.Gly465Ser (NM_001369803.2, NM_001369804.2, NM_001369805.2); short protein forms G410S, G388S, G465S.
Identifiers: ClinVar variation 4774318 (VCV004774318.1).